The following is an entry in ClinVar:

NM_004415.4(DSP):c.102C>T (p.Gly34=)

Genes: DSP (desmoplakin; plus strand), DSP-AS1 (DSP antisense RNA 1; minus strand). Cytogenetic location: 6p24.3.
Variant type: single nucleotide variant.
Coding change: c.102C>T on transcript NM_004415.4 (MANE Select); coding-DNA position 102, C replaced by T.
Protein change: p.Gly34=; no amino-acid change (glycine 34 retained).
Molecular consequence: synonymous variant.
Genome position (GRCh38, 1-based): chr6:7,542,017, C>T. VCF-style: chr6-7542017-C-T. GRCh37 (hg19) VCF-style: chr6-7542250-C-T.
Other names: c.102C>T, p.Gly34= (NM_001008844.3, NM_001319034.2).
Identifiers: ClinVar variation 1171611 (VCV001171611.6), dbSNP rs763785063, ClinGen allele CA026685.

ClinVar aggregate classification (germline): Likely benign. Review status: criteria provided, multiple submitters, no conflicts (2 of 4 stars). 3 submissions from 3 submitters: Likely benign (3). Last evaluated 2025-05-28.

Conditions:
Arrhythmogenic cardiomyopathy with wooly hair and keratoderma. Also called: Dilated cardiomyopathy with woolly hair and keratoderma; PALMOPLANTAR KERATODERMA WITH LEFT VENTRICULAR CARDIOMYOPATHY AND WOOLLY HAIR; Carvajal syndrome; Arrhythmogenic cardiomyopathy with woolly hair and keratoderma. Identifiers: Orphanet 65282, MedGen C1854063, MONDO:0011581, OMIM 605676.
Arrhythmogenic right ventricular dysplasia 8 (ARVD8). Also called: Arrhythmogenic Right Ventricular Dysplasia/Cardiomyopathy 8; ARRHYTHMOGENIC RIGHT VENTRICULAR DYSPLASIA, FAMILIAL, 8; ARRHYTHMOGENIC RIGHT VENTRICULAR CARDIOMYOPATHY 8. Identifiers: MedGen C1843896, MONDO:0011831, OMIM 607450.
Cardiomyopathy (CMYO). Also called: Cardiomyopathies. Identifiers: Orphanet 167848, MedGen C0878544, MONDO:0004994, HP:0001638. Inheritance: Various modes of inheritance.

Allele frequency attached by ClinVar (database versions not stated): TOPMed 0.00001.

Submissions (3):

Labcorp Genetics (formerly Invitae), Labcorp
Classification: Likely benign for Arrhythmogenic cardiomyopathy with wooly hair and keratoderma; Arrhythmogenic right ventricular dysplasia 8. Last evaluated: 2025-05-28. Review status: criteria provided, single submitter. Criteria: Invitae Variant Classification Sherloc (09022015). Collection method: clinical testing. Allele origin: germline.

All of Us Research Program, National Institutes of Health
Classification: Likely benign for Arrhythmogenic cardiomyopathy with wooly hair and keratoderma. Last evaluated: 2023-12-15. Review status: criteria provided, single submitter. Criteria: ACMG Guidelines, 2015. Collection method: clinical testing. Allele origin: germline. Inheritance: Autosomal dominant inheritance. Observed: 2 variant alleles, 2 heterozygotes.
Comment: This study involves interpretation of variants in research participants for the purpose of population health screening. Participant phenotype was not available at the time of variant classification. Additional details can be found in publication PMID: 35346344, PMCID: PMC8962531

Color Diagnostics, LLC DBA Color Health
Classification: Likely benign for Cardiomyopathy. Last evaluated: 2020-12-01. Review status: criteria provided, single submitter. Criteria: ACMG Guidelines, 2015. Collection method: clinical testing. Allele origin: germline.